The following is an entry in ClinVar:

NM_000282.4(PCCA):c.1819G>A (p.Val607Ile)

Gene: PCCA (propionyl-CoA carboxylase subunit alpha; plus strand). Cytogenetic location: 13q32.3.
Variant type: single nucleotide variant.
Coding change: c.1819G>A on transcript NM_000282.4 (MANE Select); coding-DNA position 1819, G replaced by A.
Protein change: p.Val607Ile; replaces valine 607 with isoleucine.
Molecular consequence: missense variant. On other transcripts: non-coding transcript variant (5).
Genome position (GRCh38, 1-based): chr13:100,425,705, G>A. VCF-style: chr13-100425705-G-A. GRCh37 (hg19) VCF-style: chr13-101077959-G-A.
Other names: c.1819G>A (NM_000282.3); c.1741G>A, p.Val581Ile (NM_001127692.3, NM_001352607.2); c.1819G>A, p.Val607Ile (NM_001178004.2, NM_001352605.2, NM_001352609.2); c.1675G>A, p.Val559Ile (NM_001352606.2); c.1597G>A, p.Val533Ile (NM_001352608.2); c.874G>A, p.Val292Ile (NM_001352610.2, NM_001352611.2); c.730G>A, p.Val244Ile (NM_001352612.2); short protein forms V559I, V581I, V607I, V292I, V533I, V244I.
Identifiers: ClinVar variation 2160085 (VCV002160085.3), dbSNP rs751083923, ClinGen allele CA7033793.

ClinVar aggregate classification (germline): Uncertain significance. Review status: criteria provided, multiple submitters, no conflicts (2 of 4 stars). 3 submissions from 3 submitters: Uncertain significance (3). Last evaluated 2025-06-01.

Conditions:
Inborn genetic diseases. Identifiers: MedGen C0950123, MeSH D030342.
Propionic acidemia (PROP). Also called: GLYCINEMIA, KETOTIC; HYPERGLYCINEMIA WITH KETOACIDOSIS AND LEUKOPENIA; KETOTIC HYPERGLYCINEMIA. Identifiers: Orphanet 35, MedGen C0268579, MONDO:0011628, OMIM 606054, HP:0003571.

Allele frequency attached by ClinVar (database versions not stated): ExAC 0.00002.
gnomAD v4.1: 14 of 1,613,404 alleles (0.00087%); highest among the groups gnomAD compares: Admixed American, 0.0017%; no homozygotes.

Submissions (3):

GeneDx
Classification: Uncertain significance. Last evaluated: 2025-06-01. Review status: criteria provided, single submitter. Criteria: GeneDx Variant Classification Process June 2021. Collection method: clinical testing. Allele origin: germline. Affected: yes.
Comment: Not observed at significant frequency in large population cohorts (gnomAD); In silico analysis suggests that this missense variant does not alter protein structure/function; Has not been previously published as pathogenic or benign to our knowledge

Ambry Genetics
Classification: Uncertain significance for Inborn genetic diseases. Last evaluated: 2025-04-11. Review status: criteria provided, single submitter. Criteria: Ambry Variant Classification Scheme 2023. Collection method: clinical testing. Allele origin: germline.

Labcorp Genetics (formerly Invitae), Labcorp
Classification: Uncertain significance for Propionic acidemia. Last evaluated: 2022-05-28. Review status: criteria provided, single submitter. Criteria: Invitae Variant Classification Sherloc (09022015). Collection method: clinical testing. Allele origin: germline.
Comment: This sequence change replaces valine, which is neutral and non-polar, with isoleucine, which is neutral and non-polar, at codon 607 of the PCCA protein (p.Val607Ile). This variant is present in population databases (rs751083923, gnomAD 0.004%). This variant has not been reported in the literature in individuals affected with PCCA-related conditions. Advanced modeling of protein sequence and biophysical properties (such as structural, functional, and spatial information, amino acid conservation, physicochemical variation, residue mobility, and thermodynamic stability) performed at Invitae indicates that this missense variant is not expected to disrupt PCCA protein function. In summary, the available evidence is currently insufficient to determine the role of this variant in disease. Therefore, it has been classified as a Variant of Uncertain Significance.